The following is an entry in ClinVar:

NM_005591.4(MRE11):c.68T>C (p.Leu23Pro)

Gene: MRE11 (MRE11 double strand break repair nuclease; minus strand). Cytogenetic location: 11q21.
Variant type: single nucleotide variant.
Coding change: c.68T>C on transcript NM_005591.4 (MANE Select); coding-DNA position 68, T replaced by C.
Protein change: p.Leu23Pro; replaces leucine 23 with proline.
Molecular consequence: missense variant. On other transcripts: 5 prime UTR variant (6).
Genome position (GRCh38, 1-based): chr11:94,490,918, A>G on the plus strand (T>C on the coding strand, the complement: MRE11 is on the minus strand). VCF-style: chr11-94490918-A-G. GRCh37 (hg19) VCF-style: chr11-94224084-A-G.
Other names: c.68T>C, p.Leu23Pro (NM_001440460.1, NM_001440461.1, NM_001440462.1 and 21 more transcripts); c.-8T>C (NM_001440471.1, NM_001440472.1, NM_001440479.1); c.-397T>C (NM_001440485.1, NM_001440486.1, NM_001440487.1); short protein forms L23P.
Identifiers: ClinVar variation 4826828 (VCV004826828.1).

ClinVar aggregate classification (germline): Uncertain significance (1 of 4 stars; one submission).

Conditions:
Hereditary cancer-predisposing syndrome. Also called: Neoplastic Syndromes, Hereditary; Tumor predisposition; Hereditary Cancer Syndrome; Hereditary neoplastic syndrome. Identifiers: Orphanet 140162, MedGen C0027672, MeSH D009386, MONDO:0015356.

gnomAD v4.1: 1 of 1,577,966 alleles (0.000063%); highest among the groups gnomAD compares: Non-Finnish European, 0.000087%; no homozygotes.

Submission:

Ambry Genetics
Classification: Uncertain significance for Hereditary cancer-predisposing syndrome. Last evaluated: 2026-02-24. Review status: criteria provided, single submitter. Criteria: Ambry Variant Classification Scheme 2023. Collection method: clinical testing. Allele origin: germline.
Comment: The p.L23P variant (also known as c.68T>C), located in coding exon 2 of the MRE11A gene, results from a T to C substitution at nucleotide position 68. The leucine at codon 23 is replaced by proline, an amino acid with similar properties. This amino acid position is conserved. In addition, this alteration is predicted to be deleterious by in silico analysis. Based on the available evidence, the clinical significance of this variant remains unclear.